The following is an entry in ClinVar:

ClinVar aggregate classification (germline): Uncertain significance (1 of 4 stars; one submission).

Allele frequency attached by ClinVar (database versions not stated): gnomAD exomes below 0.00001; gnomAD 0.00001; TOPMed 0.00001.
gnomAD v4.1: 6 of 1,613,962 alleles (0.00037%); highest among the groups gnomAD compares: Admixed American, 0.01%; no homozygotes.

Submission:

Labcorp Genetics (formerly Invitae), Labcorp
Classification: Uncertain significance. Last evaluated: 2022-08-16. Review status: criteria provided, single submitter. Criteria: Invitae Variant Classification Sherloc (09022015). Collection method: clinical testing. Allele origin: germline.
Comment: In summary, the available evidence is currently insufficient to determine the role of this variant in disease. Therefore, it has been classified as a Variant of Uncertain Significance. Algorithms developed to predict the effect of missense changes on protein structure and function (SIFT, PolyPhen-2, Align-GVGD) all suggest that this variant is likely to be disruptive. ClinVar contains an entry for this variant (Variation ID: 1383378). This variant has not been reported in the literature in individuals affected with ADGRA3-related conditions. This variant is present in population databases (no rsID available, gnomAD 0.003%). This sequence change replaces leucine, which is neutral and non-polar, with serine, which is neutral and polar, at codon 986 of the ADGRA3 protein (p.Leu986Ser).

NM_145290.4(ADGRA3):c.2957T>C (p.Leu986Ser)

Gene: ADGRA3 (adhesion G protein-coupled receptor A3; minus strand). Cytogenetic location: 4p15.2.
Variant type: single nucleotide variant.
Coding change: c.2957T>C on transcript NM_145290.4 (MANE Select); coding-DNA position 2957, T replaced by C.
Protein change: p.Leu986Ser; replaces leucine 986 with serine.
Molecular consequence: missense variant.
Genome position (GRCh38, 1-based): chr4:22,388,714, A>G on the plus strand (T>C on the coding strand, the complement: ADGRA3 is on the minus strand). VCF-style: chr4-22388714-A-G. GRCh37 (hg19) VCF-style: chr4-22390337-A-G.
Other names: short protein forms L986S.
Identifiers: ClinVar variation 1383378 (VCV001383378.8), dbSNP rs1184017057, ClinGen allele CA356474472.